The following is an entry in ClinVar:

NM_000492.4(CFTR):c.1364C>G (p.Ala455Gly)

Genes: CFTR (CF transmembrane conductance regulator; plus strand), CFTR-AS1 (CFTR antisense RNA 1; minus strand). Cytogenetic location: 7q31.2.
Variant type: single nucleotide variant.
Coding change: c.1364C>G on transcript NM_000492.4 (MANE Select); coding-DNA position 1364, C replaced by G.
Protein change: p.Ala455Gly; replaces alanine 455 with glycine.
Molecular consequence: missense variant.
Genome position (GRCh38, 1-based): chr7:117,548,795, C>G. VCF-style: chr7-117548795-C-G. GRCh37 (hg19) VCF-style: chr7-117188849-C-G.
Other names: short protein forms A455G.
Identifiers: ClinVar variation 3341327 (VCV003341327.1).

ClinVar aggregate classification (germline): Uncertain significance (1 of 4 stars; one submission).

Conditions:
Cystic fibrosis (CF). Also called: MUCOVISCIDOSIS. Identifiers: Orphanet 586, MedGen C0010674, MONDO:0009061, OMIM 219700. Disease mechanism: loss of function.

Submission:

Neuberg Centre For Genomic Medicine, NCGM
Classification: Uncertain significance for Cystic fibrosis. Last evaluated: 2023-05-20. Review status: criteria provided, single submitter. Criteria: ACMG Guidelines, 2015. Collection method: clinical testing. Allele origin: germline. Inheritance: Autosomal recessive inheritance. Affected: yes.
Comment: The observed missense c.1364C>G(p.Ala455Gly) variant in CFTR gene has not been reported previously as a pathogenic variant nor as a benign variant, to our knowledge. This variant is absent in gnomAD Exomes. The amino acid Ala at position 455 is changed to a Gly changing protein sequence and it might alter its composition and physico-chemical properties. The amino acid change p.Ala455Gly in CFTR is predicted as conserved by GERP++ and PhyloP across 100 vertebrates. Computational evidence (Polyphen - Possibly Damaging, SIFT - Tolerated, and MutationTaster - Disease causing) predicts conflicting evidence on protein structure and function for this variant. For these reasons, this variant has been classified as Uncertain Significance.